The following is an entry in ClinVar:

NM_001375380.1(EBF3):c.1038C>G (p.Thr346=)

Genes: EBF3 (EBF transcription factor 3; minus strand), EBF3-AS1 (EBF3 antisense RNA 1; plus strand). Cytogenetic location: 10q26.3.
Variant type: single nucleotide variant.
Coding change: c.1038C>G on transcript NM_001375380.1 (MANE Select); coding-DNA position 1038, C replaced by G.
Protein change: p.Thr346=; no amino-acid change (threonine 346 retained).
Molecular consequence: synonymous variant.
Genome position (GRCh38, 1-based): chr10:129,867,142, G>C on the plus strand (C>G on the coding strand, the complement: EBF3 is on the minus strand). VCF-style: chr10-129867142-G-C. GRCh37 (hg19) VCF-style: chr10-131665406-G-C.
Other names: p.Thr337=; c.1011C>G, p.Thr337= (NM_001005463.3, NM_001375390.1, NM_001375392.1); c.1038C>G, p.Thr346= (NM_001375379.1, NM_001375389.1, NM_001375391.1).
Identifiers: ClinVar variation 445439 (VCV000445439.32), dbSNP rs142165671, ClinGen allele CA5748546.

ClinVar aggregate classification (germline): Benign/Likely benign. Review status: criteria provided, multiple submitters, no conflicts (2 of 4 stars). 5 submissions from 5 submitters: Benign (1); Likely benign (4). Last evaluated 2026-08-01.

Allele frequency attached by ClinVar (database versions not stated): gnomAD 0.00057; ESP Exome Variant Server 0.00077; TOPMed 0.00094.
gnomAD v4.1: 2,491 of 1,613,430 alleles (0.15%); highest among the groups gnomAD compares: Non-Finnish European, 0.19%; no homozygotes.

Submissions (5):

CeGaT Center for Human Genetics Tuebingen
Classification: Likely benign. Last evaluated: 2026-08-01. Review status: criteria provided, single submitter. Criteria: CeGaT Center For Human Genetics Tuebingen Variant Classification Criteria Version 2. Collection method: clinical testing. Allele origin: germline. Affected: yes. Observed: 4 variant alleles.
Comment: EBF3: BP4, BP7, BS1

Mayo Clinic Laboratories, Mayo Clinic
Classification: Benign. Last evaluated: 2024-11-21. Review status: criteria provided, single submitter. Criteria: ACMG Guidelines, 2015. Collection method: clinical testing. Allele origin: germline. Observed: 1 variant allele.
Comment: BS1, BS2, BP4, BP7

Blueprint Genetics
Classification: Likely benign. Last evaluated: 2024-11-14. Review status: criteria provided, single submitter. Criteria: ACMG Guidelines, 2015. Collection method: clinical testing. Allele origin: germline.

Labcorp Genetics (formerly Invitae), Labcorp
Classification: Likely benign. Last evaluated: 2019-12-31. Review status: criteria provided, single submitter. Criteria: Invitae Variant Classification Sherloc (09022015). Collection method: clinical testing. Allele origin: germline.

Center for Pediatric Genomic Medicine, Children's Mercy Hospital and Clinics
Classification: Likely benign. Last evaluated: 2017-05-22. Review status: criteria provided, single submitter. Criteria: ACMG Guidelines, 2015. Collection method: clinical testing. Allele origin: germline.